The following is an entry in ClinVar:

NM_130849.4(SLC39A4):c.425G>A (p.Trp142Ter)

Gene: SLC39A4 (solute carrier family 39 member 4; minus strand). Cytogenetic location: 8q24.3.
Variant type: single nucleotide variant.
Coding change: c.425G>A on transcript NM_130849.4 (MANE Select); coding-DNA position 425, G replaced by A.
Protein change: p.Trp142Ter; replaces tryptophan 142 with a stop codon.
Molecular consequence: nonsense. On other transcripts: intron variant (1).
Genome position (GRCh38, 1-based): chr8:144,415,859, C>T on the plus strand (G>A on the coding strand, the complement: SLC39A4 is on the minus strand). VCF-style: chr8-144415859-C-T. GRCh37 (hg19) VCF-style: chr8-145641243-C-T.
Other names: c.350G>A, p.Trp117Ter (NM_017767.3); c.193-440G>A (NM_001374839.1); short protein forms W117*, W142*.
Identifiers: ClinVar variation 4816469 (VCV004816469.1).

ClinVar aggregate classification (germline): Likely pathogenic (1 of 4 stars; one submission).

Conditions:
Hereditary acrodermatitis enteropathica (AEZ). Also called: Acrodermatitis enteropathica. Identifiers: Orphanet 37, MedGen C0221036, MONDO:0008713, OMIM 201100.

Submission:

Natera, Inc.
Classification: Likely pathogenic for Acrodermatitis enteropathica. Last evaluated: 2025-02-19. Review status: criteria provided, single submitter. Criteria: Natera Variant Classification Schema (03/2026). Collection method: clinical testing. Allele origin: germline.
Comment: The c.425G>A variant in SLC39A4 is a nonsense variant predicted to introduce a stop codon at amino acid 142. This variant is expected to result in nonsense mediated decay, truncation, or a dysfunctional protein product. This variant is rare in the general population with a frequency below the threshold expected for the associated phenotype(s). Given the available evidence, this variant is classified as Likely Pathogenic.